The following is an entry in ClinVar:

ClinVar aggregate classification (germline): Likely pathogenic (1 of 4 stars; one submission).

Conditions:
Neonatal-onset encephalopathy with rigidity and seizures. Also called: Lethal neonatal spasticity-epileptic encephalopathy syndrome. Identifiers: Orphanet 435845, MedGen C3281029, MONDO:0013784, OMIM 614498.

Submission:

Labcorp Genetics (formerly Invitae), Labcorp
Classification: Likely pathogenic for Neonatal-onset encephalopathy with rigidity and seizures. Last evaluated: 2024-12-02. Review status: criteria provided, single submitter. Criteria: Invitae Variant Classification Sherloc (09022015). Collection method: clinical testing. Allele origin: germline.
Comment: This sequence change affects an acceptor splice site in intron 6 of the BRAT1 gene. It is expected to disrupt RNA splicing. Variants that disrupt the donor or acceptor splice site typically lead to a loss of protein function (PMID: 16199547), and loss-of-function variants in BRAT1 are known to be pathogenic (PMID: 22279524, 25500575). This variant is not present in population databases (gnomAD no frequency). This variant has not been reported in the literature in individuals affected with BRAT1-related conditions. ClinVar contains an entry for this variant (Variation ID: 2019196). Algorithms developed to predict the effect of sequence changes on RNA splicing suggest that this variant may disrupt the consensus splice site. In summary, the currently available evidence indicates that the variant is pathogenic, but additional data are needed to prove that conclusively. Therefore, this variant has been classified as Likely Pathogenic.

Literature cited by the submitters: PubMed 16199547; PubMed 22279524; PubMed 25500575.

NM_152743.4(BRAT1):c.924-1G>A

Gene: BRAT1 (BRCA1 associated ATM activator 1; minus strand). Cytogenetic location: 7p22.3.
Variant type: single nucleotide variant.
Coding change: c.924-1G>A on transcript NM_152743.4 (MANE Select); the canonical splice acceptor site of the intron before coding-DNA position 924, G replaced by A.
Molecular consequence: splice acceptor variant.
Genome position (GRCh38, 1-based): chr7:2,542,212, C>T on the plus strand (G>A on the coding strand, the complement: BRAT1 is on the minus strand). VCF-style: chr7-2542212-C-T. GRCh37 (hg19) VCF-style: chr7-2581846-C-T.
Other names: c.399-1G>A (NM_001350627.2); c.924-1G>A (NM_001350626.2).
Identifiers: ClinVar variation 2019196 (VCV002019196.4), dbSNP rs2534363105, ClinGen allele CA366630454.
Genomic context (GRCh38, chr7:2,542,212, plus strand): 5'-AGGACACAGGCCAGGGGCTGGAGAAGGACCTGGAAGGCCTGGGTCCTCAGTGCCTGTGGA[C>T]TGGAGACAAACGCGAGGTGAGTGCCGCGACCCTGGCTGCGAGACAAGTTGGCTGTGCTCC-3'